The following is an entry in ClinVar:

NM_000057.4(BLM):c.578T>G (p.Phe193Cys)

Gene: BLM (BLM RecQ like helicase; plus strand). Cytogenetic location: 15q26.1.
Variant type: single nucleotide variant.
Coding change: c.578T>G on transcript NM_000057.4 (MANE Select); coding-DNA position 578, T replaced by G.
Protein change: p.Phe193Cys; replaces phenylalanine 193 with cysteine.
Molecular consequence: missense variant. On other transcripts: 5 prime UTR variant (1).
Genome position (GRCh38, 1-based): chr15:90,749,846, T>G. VCF-style: chr15-90749846-T-G. GRCh37 (hg19) VCF-style: chr15-91293076-T-G.
Other names: c.578T>G, p.Phe193Cys (NM_001287246.2, NM_001287247.2); c.-714T>G (NM_001287248.2); short protein forms F193C.
Identifiers: ClinVar variation 2974917 (VCV002974917.4), dbSNP rs2505393465, ClinGen allele CA393841094.

ClinVar aggregate classification (germline): Uncertain significance. Review status: criteria provided, multiple submitters, no conflicts (2 of 4 stars). 2 submissions from 2 submitters: Uncertain significance (2). Last evaluated 2025-01-31.

Conditions:
Bloom syndrome (BLM). Also called: Bloom-Torre-Machacek syndrome. Identifiers: Orphanet 125, MedGen C0005859, MONDO:0008876, OMIM 210900.
Hereditary cancer-predisposing syndrome. Also called: Neoplastic Syndromes, Hereditary; Hereditary neoplastic syndrome; Hereditary Cancer Syndrome; Tumor predisposition. Identifiers: Orphanet 140162, MedGen C0027672, MeSH D009386, MONDO:0015356.

Submissions (2):

Ambry Genetics
Classification: Uncertain significance for Hereditary cancer-predisposing syndrome. Last evaluated: 2025-01-31. Review status: criteria provided, single submitter. Criteria: Ambry Variant Classification Scheme 2023. Collection method: clinical testing. Allele origin: germline.
Comment: The p.F193C variant (also known as c.578T>G), located in coding exon 2 of the BLM gene, results from a T to G substitution at nucleotide position 578. The phenylalanine at codon 193 is replaced by cysteine, an amino acid with highly dissimilar properties. This amino acid position is conserved. In addition, this alteration is predicted to be tolerated by in silico analysis. Based on the available evidence, the clinical significance of this variant remains unclear.

Labcorp Genetics (formerly Invitae), Labcorp
Classification: Uncertain significance for Bloom syndrome. Last evaluated: 2023-09-27. Review status: criteria provided, single submitter. Criteria: Invitae Variant Classification Sherloc (09022015). Collection method: clinical testing. Allele origin: germline.
Comment: This sequence change replaces phenylalanine, which is neutral and non-polar, with cysteine, which is neutral and slightly polar, at codon 193 of the BLM protein (p.Phe193Cys). This variant is not present in population databases (gnomAD no frequency). This variant has not been reported in the literature in individuals affected with BLM-related conditions. An algorithm developed to predict the effect of missense changes on protein structure and function (PolyPhen-2) suggests that this variant is likely to be disruptive. In summary, the available evidence is currently insufficient to determine the role of this variant in disease. Therefore, it has been classified as a Variant of Uncertain Significance.